The following is an entry in ClinVar:

NM_001330078.2(NRXN1):c.88G>C (p.Gly30Arg)

Gene: NRXN1 (neurexin 1; minus strand). Cytogenetic location: 2p16.3.
Variant type: single nucleotide variant.
Coding change: c.88G>C on transcript NM_001330078.2 (MANE Select); coding-DNA position 88, G replaced by C.
Protein change: p.Gly30Arg; replaces glycine 30 with arginine.
Molecular consequence: missense variant.
Genome position (GRCh38, 1-based): chr2:51,028,186, C>G on the plus strand (G>C on the coding strand, the complement: NRXN1 is on the minus strand). VCF-style: chr2-51028186-C-G. GRCh37 (hg19) VCF-style: chr2-51255324-C-G.
Other names: c.88G>C, p.Gly30Arg (NM_001135659.3, NM_001330084.2, NM_001330085.2 and 15 more transcripts); short protein forms G30R.
Identifiers: ClinVar variation 2840072 (VCV002840072.3), dbSNP rs752126111, ClinGen allele CA1655562.

ClinVar aggregate classification (germline): Uncertain significance (1 of 4 stars; one submission).

Conditions:
Pitt-Hopkins-like syndrome 2 (PTHSL2). Identifiers: Orphanet 221150, Orphanet 600663, MedGen C3280479, MONDO:0013690, OMIM 614325.

Allele frequency attached by ClinVar (database versions not stated): TOPMed below 0.00001; gnomAD 0.00001.
gnomAD v4.1: 5 of 1,506,016 alleles (0.00033%); highest among the groups gnomAD compares: African/African-American, 0.0014%; no homozygotes.

Submission:

Labcorp Genetics (formerly Invitae), Labcorp
Classification: Uncertain significance for Pitt-Hopkins-like syndrome 2. Last evaluated: 2023-10-03. Review status: criteria provided, single submitter. Criteria: Invitae Variant Classification Sherloc (09022015). Collection method: clinical testing. Allele origin: germline.
Comment: This sequence change replaces glycine, which is neutral and non-polar, with arginine, which is basic and polar, at codon 30 of the NRXN1 protein (p.Gly30Arg). This variant is not present in population databases (gnomAD no frequency). This variant has not been reported in the literature in individuals affected with NRXN1-related conditions. An algorithm developed to predict the effect of missense changes on protein structure and function (PolyPhen-2) suggests that this variant is likely to be disruptive. In summary, the available evidence is currently insufficient to determine the role of this variant in disease. Therefore, it has been classified as a Variant of Uncertain Significance.